The following is an entry in ClinVar:

NM_004380.3(CREBBP):c.3370-16dup

Gene: CREBBP (CREB binding lysine acetyltransferase; minus strand). Cytogenetic location: 16p13.3.
Variant type: Duplication.
Coding change: c.3370-16dup on transcript NM_004380.3 (MANE Select); 16 bases into the intron before coding-DNA position 3370, one base duplicated (T; older notation c.3370-16dupT).
Molecular consequence: intron variant.
Genome position (GRCh38, 1-based): chr16:3,758,052, A duplicated on the plus strand (T on the coding strand, the reverse complement: CREBBP is on the minus strand); the first of 13 consecutive A bases (chr16:3,758,052-3,758,064); duplicating any one gives the same sequence. VCF-style (leftmost placement, unchanged base first): chr16-3758051-T-TA. GRCh37 (hg19) VCF-style: chr16-3808052-T-TA.
Other names: p.?; c.3370-4dupT (NM_004380.2); c.3370-4dup (NM_004380.3); c.3256-16dup (NM_001079846.1).
Identifiers: ClinVar variation 587780 (VCV000587780.17), dbSNP rs75459669, ClinGen allele CA7869823.
Genomic context (GRCh38, chr16:3,758,051, plus strand): 5'-CCAGCTTCCGCTTGATGGTGGAGAGGTCCATGGGATTCTTTACGATGTCAAAATAGTCCT[T>TA]AAAAAAAAAAAAATGGTCTCAGTATAGGGAATCCCCCAATATCCAAATGCCAGTCTCATC-3'

ClinVar aggregate classification (germline): Benign/Likely benign. Review status: criteria provided, multiple submitters, no conflicts (2 of 4 stars). 7 submissions from 7 submitters: Benign (2); Likely benign (3). 2 of the submissions do not count toward it. Last evaluated 2025-12-10.

Conditions:
Rubinstein-Taybi syndrome (RSTS). Identifiers: Orphanet 783, MedGen C0035934, MONDO:0019188.
Inborn genetic diseases. Identifiers: MedGen C0950123, MeSH D030342.

Submissions (7):

Labcorp Genetics (formerly Invitae), Labcorp
Classification: Benign for Rubinstein-Taybi syndrome. Last evaluated: 2025-12-10. Review status: criteria provided, single submitter. Criteria: Invitae Variant Classification Sherloc (09022015). Collection method: clinical testing. Allele origin: germline.

Blueprint Genetics
Classification: Likely benign. Last evaluated: 2024-11-27. Review status: criteria provided, single submitter. Criteria: ACMG Guidelines, 2015. Collection method: clinical testing. Allele origin: germline.

Mayo Clinic Laboratories, Mayo Clinic
Classification: Benign. Last evaluated: 2022-11-16. Review status: criteria provided, single submitter. Criteria: ACMG Guidelines, 2015. Collection method: clinical testing. Allele origin: germline. Observed: 28 variant alleles.
Comment: BA1, BP4, BP7

GeneDx
Classification: Likely benign. Last evaluated: 2019-08-06. Review status: criteria provided, single submitter. Criteria: GeneDx Variant Classification Process June 2021. Collection method: clinical testing. Allele origin: germline. Affected: yes.

Ambry Genetics
Classification: Likely benign for Inborn genetic diseases. Last evaluated: 2018-04-04. Review status: criteria provided, single submitter. Criteria: Ambry Variant Classification Scheme 2023. Collection method: clinical testing. Allele origin: germline.

Diagnostic Laboratory, Department of Genetics, University Medical Center Groningen
Classification: Benign. Review status: no assertion criteria provided. Collection method: clinical testing. Allele origin: germline. Affected: yes. Study: VKGL Data-share Consensus. Not counted in ClinVar's aggregate classification.

Genome Diagnostics Laboratory, University Medical Center Utrecht
Classification: Likely benign. Review status: no assertion criteria provided. Collection method: clinical testing. Allele origin: germline. Affected: yes. Study: VKGL Data-share Consensus. Not counted in ClinVar's aggregate classification.